The following is an entry in ClinVar:

ClinVar aggregate classification (germline): Uncertain significance. Review status: criteria provided, multiple submitters, no conflicts (2 of 4 stars). 2 submissions from 2 submitters: Uncertain significance (2). Last evaluated 2026-09-11.

Allele frequency attached by ClinVar (database versions not stated): gnomAD 0.00005; TOPMed 0.00017; gnomAD exomes below 0.00001.
gnomAD v4.1: 16 of 1,191,500 alleles (0.0013%); highest among the groups gnomAD compares: Admixed American, 0.0072%; no homozygotes.

Submissions (2):

Ambry Genetics
Classification: Uncertain significance. Last evaluated: 2026-09-11. Review status: criteria provided, single submitter. Criteria: Ambry Variant Classification Scheme 2023. Collection method: clinical testing. Allele origin: germline.
Comment: The c.2575G>A (p.A859T) alteration is located in exon 19 (coding exon 19) of the MAP3K15 gene. This alteration results from a G to A substitution at nucleotide position 2575, causing the alanine (A) at amino acid position 859 to be replaced by a threonine (T). Based on data from gnomAD, the A allele has an overall frequency of 0.001% (1/146926) total alleles studied. The highest observed frequency was 0.009% (1/11091) of African alleles. Based on insufficient or conflicting evidence, the clinical significance of this alteration remains unclear.

Revvity Omics, Revvity
Classification: Uncertain significance. Last evaluated: 2021-10-21. Review status: criteria provided, single submitter. Criteria: ACMG Guidelines, 2015. Collection method: clinical testing. Allele origin: germline.

NM_001001671.4(MAP3K15):c.2575G>A (p.Ala859Thr)

Gene: MAP3K15 (mitogen-activated protein kinase kinase kinase 15; minus strand). Cytogenetic location: Xp22.12.
Variant type: single nucleotide variant.
Coding change: c.2575G>A on transcript NM_001001671.4 (MANE Select); coding-DNA position 2575, G replaced by A.
Protein change: p.Ala859Thr; replaces alanine 859 with threonine.
Molecular consequence: missense variant.
Genome position (GRCh38, 1-based): chrX:19,380,134, C>T on the plus strand (G>A on the coding strand, the complement: MAP3K15 is on the minus strand). VCF-style: chrX-19380134-C-T. GRCh37 (hg19) VCF-style: chrX-19398252-C-T.
Other names: short protein forms A859T.
Identifiers: ClinVar variation 2689398 (VCV002689398.4), dbSNP rs867091312, ClinGen allele CA327047737.